The following is an entry in ClinVar:

NM_000059.4(BRCA2):c.5871_5872del (p.Ile1957fs)

Gene: BRCA2 (BRCA2 DNA repair associated; plus strand). Cytogenetic location: 13q13.1.
Variant type: Microsatellite.
Coding change: c.5871_5872del on transcript NM_000059.4 (MANE Select); coding-DNA positions 5871 to 5872, 2 bases deleted (AT; older notation c.5871_5872delAT).
Protein change: p.Ile1957fs; shifts the reading frame from isoleucine 1957.
Molecular consequence: frameshift variant.
Genome position (GRCh38, 1-based): chr13:32,340,226-32,340,227, AT deleted; deleting any 2 consecutive bases within chr13:32,340,222-32,340,227 gives the same sequence; the c. name uses the placement nearest the transcript's 3' end. VCF-style (leftmost placement, unchanged base first): chr13-32340221-GAT-G. GRCh37 (hg19) VCF-style: chr13-32914358-GAT-G.
Other names: c.5867_5868AT[2], p.Ile1957Metfs (NM_001406719.1, NM_001406720.1); short protein forms I1957fs.
Identifiers: ClinVar variation 2431322 (VCV002431322.1), dbSNP rs2548531963, ClinGen allele CA2580614696.

ClinVar aggregate classification (germline): Pathogenic (1 of 4 stars; one submission).

Conditions:
Breast-ovarian cancer, familial, susceptibility to, 2 (BROVCA2). Also called: BRCA2 Hereditary Breast and Ovarian Cancer. Identifiers: Orphanet 145, MedGen C2675520, MONDO:0012933, OMIM 612555. Disease mechanism: loss of function.

Submission:

Myriad Genetics, Inc.
Classification: Pathogenic for Breast-ovarian cancer, familial, susceptibility to, 2. Last evaluated: 2023-01-10. Review status: criteria provided, single submitter. Criteria: Myriad Autosomal Dominant, Autosomal Recessive and X-Linked Classification Criteria (2023). Collection method: clinical testing. Allele origin: unknown.
Comment: This variant is considered pathogenic. This variant creates a frameshift predicted to result in premature protein truncation.